The following is an entry in ClinVar:

ClinVar aggregate classification (germline): Uncertain significance (1 of 4 stars; one submission).

Conditions:
Menkes kinky-hair syndrome (MNK). Also called: Copper transport disease; Classic Menkes Disease; Menkes Disease. Identifiers: Orphanet 565, MedGen C0022716, MONDO:0010651, OMIM 309400.
Cutis laxa, X-linked (OHS). Also called: EDS IX; Occipital horn syndrome. Identifiers: Orphanet 198, MedGen C0268353, MONDO:0010572, OMIM 304150.
X-linked distal spinal muscular atrophy type 3. Also called: SPINAL MUSCULAR ATROPHY, DISTAL, X-LINKED RECESSIVE; ATP7A-Related Distal Motor Neuropathy; NEURONOPATHY, DISTAL HEREDITARY MOTOR, X-LINKED; NEUROPATHY, DISTAL HEREDITARY MOTOR, X-LINKED. Identifiers: Orphanet 139557, MedGen C1845359, MONDO:0010338, OMIM 300489.

Submission:

Labcorp Genetics (formerly Invitae), Labcorp
Classification: Uncertain significance for X-linked distal spinal muscular atrophy type 3; Cutis laxa, X-linked; Menkes kinky-hair syndrome. Last evaluated: 2019-09-10. Review status: criteria provided, single submitter. Criteria: Invitae Variant Classification Sherloc (09022015). Collection method: clinical testing. Allele origin: germline.
Comment: In summary, the available evidence is currently insufficient to determine the role of this variant in disease. Therefore, it has been classified as a Variant of Uncertain Significance. Experimental studies and prediction algorithms are not available or were not evaluated for this variant, and the functional significance of this variant is currently unknown. This variant has not been reported in the literature in individuals with ATP7A-related conditions. This variant is an in-frame deletion of the genomic region encompassing exon 14 of the ATP7A gene. It preserves the integrity of the reading frame.

NC_000023.10:g.(?_77276422)_(77276596_?)del

Gene: ATP7A (ATPase copper transporting alpha; plus strand). Cytogenetic location: Xq21.1.
Variant type: Deletion.
Identifiers: ClinVar variation 831879 (VCV000831879.7).